The following is an entry in ClinVar:

ClinVar aggregate classification (germline): Pathogenic (1 of 4 stars; one submission).

Submission:

GeneDx
Classification: Pathogenic. Last evaluated: 2024-03-08. Review status: criteria provided, single submitter. Criteria: GeneDx Variant Classification Process June 2021. Collection method: clinical testing. Allele origin: germline. Affected: yes.
Comment: Not observed at significant frequency in large population cohorts (gnomAD); In silico analysis supports that this missense variant has a deleterious effect on protein structure/function; Has not been previously published as pathogenic or benign germline variant to our knowledge; This variant is associated with the following publications: (PMID: 31263893)

NM_005157.6(ABL1):c.730A>G (p.Met244Val)

Gene: ABL1 (ABL proto-oncogene 1, non-receptor tyrosine kinase; plus strand). Cytogenetic location: 9q34.12.
Variant type: single nucleotide variant.
Coding change: c.730A>G on transcript NM_005157.6 (MANE Select); coding-DNA position 730, A replaced by G.
Protein change: p.Met244Val; replaces methionine 244 with valine.
Molecular consequence: missense variant.
Genome position (GRCh38, 1-based): chr9:130,862,943, A>G. VCF-style: chr9-130862943-A-G. GRCh37 (hg19) VCF-style: chr9-133738330-A-G.
Other names: c.787A>G, p.Met263Val (NM_007313.3); c.787A>G (NM_007313.2); short protein forms M244V, M263V.
Identifiers: ClinVar variation 376084 (VCV000376084.2), dbSNP rs121913456, ClinGen allele CA16602545.